The following is an entry in ClinVar:

NM_001457.4(FLNB):c.3176C>T (p.Ala1059Val)

Gene: FLNB (filamin B; plus strand). Cytogenetic location: 3p14.3.
Variant type: single nucleotide variant.
Coding change: c.3176C>T on transcript NM_001457.4 (MANE Select); coding-DNA position 3176, C replaced by T.
Protein change: p.Ala1059Val; replaces alanine 1059 with valine.
Molecular consequence: missense variant.
Genome position (GRCh38, 1-based): chr3:58,123,142, C>T. VCF-style: chr3-58123142-C-T. GRCh37 (hg19) VCF-style: chr3-58108869-C-T.
Other names: c.3176C>T, p.Ala1059Val (NM_001164317.2, NM_001164318.2, NM_001164319.2); short protein forms A1059V.
Identifiers: ClinVar variation 1620856 (VCV001620856.13), dbSNP rs570950728, ClinGen allele CA2468351.

ClinVar aggregate classification (germline): Conflicting classifications of pathogenicity. Review status: criteria provided, conflicting classifications (1 of 4 stars). 4 submissions from 4 submitters: Uncertain significance (3); Likely benign (1). Last evaluated 2024-10-18.

Conditions:
Connective tissue disorder. Also called: Connective tissue disease. Identifiers: MedGen C0009782, MONDO:0003900.

Allele frequency attached by ClinVar (database versions not stated): gnomAD 0.00001 and 0.00003; TOPMed 0.00001; 1000 Genomes Project 30x 0.00016; ExAC 0.00018; 1000 Genomes Project 0.00020.
gnomAD v4.1: 117 of 1,614,158 alleles (0.0072%); highest among the groups gnomAD compares: South Asian, 0.1%; no homozygotes.

Submissions (4):

Blueprint Genetics
Classification: Uncertain significance. Last evaluated: 2024-10-18. Review status: criteria provided, single submitter. Criteria: ACMG Guidelines, 2015. Collection method: clinical testing. Allele origin: germline.

Labcorp Genetics (formerly Invitae), Labcorp
Classification: Likely benign. Last evaluated: 2024-08-13. Review status: criteria provided, single submitter. Criteria: Invitae Variant Classification Sherloc (09022015). Collection method: clinical testing. Allele origin: germline.

GeneDx
Classification: Uncertain significance. Last evaluated: 2022-11-17. Review status: criteria provided, single submitter. Criteria: GeneDx Variant Classification Process June 2021. Collection method: clinical testing. Allele origin: germline. Affected: yes.
Comment: In silico analysis supports that this missense variant has a deleterious effect on protein structure/function; Has not been previously published as pathogenic or benign to our knowledge

Genome Diagnostics Laboratory, The Hospital for Sick Children
Classification: Uncertain significance for Connective tissue disorder. Last evaluated: 2019-04-01. Review status: criteria provided, single submitter. Criteria: ACMG Guidelines, 2015. Collection method: clinical testing. Allele origin: germline.